The following is an entry in ClinVar:

NM_014915.3(ANKRD26):c.173A>G (p.Asn58Ser)

Gene: ANKRD26 (ankyrin repeat domain containing 26; minus strand). Cytogenetic location: 10p12.1.
Variant type: single nucleotide variant.
Coding change: c.173A>G on transcript NM_014915.3 (MANE Select); coding-DNA position 173, A replaced by G.
Protein change: p.Asn58Ser; replaces asparagine 58 with serine.
Molecular consequence: missense variant.
Genome position (GRCh38, 1-based): chr10:27,100,154, T>C on the plus strand (A>G on the coding strand, the complement: ANKRD26 is on the minus strand). VCF-style: chr10-27100154-T-C. GRCh37 (hg19) VCF-style: chr10-27389083-T-C.
Other names: c.173A>G, p.Asn58Ser (NM_001256053.2); short protein forms N58S.
Identifiers: ClinVar variation 3369163 (VCV003369163.3).

ClinVar aggregate classification (germline): Uncertain significance. Review status: criteria provided, multiple submitters, no conflicts (2 of 4 stars). 2 submissions from 2 submitters: Uncertain significance (2). Last evaluated 2025-07-15.

Conditions:
Inborn genetic diseases. Identifiers: MedGen C0950123, MeSH D030342.

gnomAD v4.1: 13 of 1,614,024 alleles (0.00081%); highest among the groups gnomAD compares: Admixed American, 0.0083%; no homozygotes.

Submissions (2):

Ambry Genetics
Classification: Uncertain significance for Inborn genetic diseases. Last evaluated: 2025-07-15. Review status: criteria provided, single submitter. Criteria: Ambry Variant Classification Scheme 2023. Collection method: clinical testing. Allele origin: germline.

GeneDx
Classification: Uncertain significance. Last evaluated: 2024-02-12. Review status: criteria provided, single submitter. Criteria: GeneDx Variant Classification Process June 2021. Collection method: clinical testing. Allele origin: germline. Affected: yes.
Comment: In silico analysis supports that this missense variant does not alter protein structure/function; Has not been previously published as pathogenic or benign to our knowledge